The following is an entry in ClinVar:

NM_001018115.3(FANCD2):c.3963_3963+1inv

Genes: FANCD2 (FA complementation group D2; plus strand), FANCD2OS (FANCD2 opposite strand; minus strand). Cytogenetic location: 3p25.3.
Variant type: Inversion.
Coding change: c.3963_3963+1inv on transcript NM_001018115.3 (MANE Select).
Molecular consequence: splice donor variant. On other transcripts: intron variant (1).
Genome position: GRCh38 VCF-style: chr3-10094363-GG-CC. GRCh37 (hg19) VCF-style: chr3-10136047-GG-CC.
Other names: c.3963_3963+1inv (NM_001319984.2, NM_033084.6); c.3852_3852+1inv (NM_001374253.1); c.3924_3924+1inv (NM_001374254.1); c.*43+9834_*43+9835inv (NM_173472.2).
Identifiers: ClinVar variation 1483718 (VCV001483718.7), ClinGen allele CA2573136076.
Genomic context (GRCh38, chr3:10,094,363, plus strand): 5'-TGTGGAAGCATTTCTGAAGCAATGTATGCCGCTCCTAGACTTCAGTTTTAGAAAACACCG[GG>CC]TAAGAGCTAAGAGCAGAGAACAAAGATATGCACTGAAGAGTTGCTCAGAAGATATGTCCT-3'

ClinVar aggregate classification (germline): Likely pathogenic (1 of 4 stars; one submission).

Conditions:
Fanconi anemia (FA). Also called: Fanconi's anemia. Identifiers: Orphanet 84, MedGen C0015625, MeSH D005199, MONDO:0019391.

Submission:

Labcorp Genetics (formerly Invitae), Labcorp
Classification: Likely pathogenic for Fanconi anemia. Last evaluated: 2024-03-07. Review status: criteria provided, single submitter. Criteria: Invitae Variant Classification Sherloc (09022015). Collection method: clinical testing. Allele origin: germline.
Comment: This sequence change affects a splice site in intron 40 of the FANCD2 gene. It is expected to disrupt RNA splicing. Variants that disrupt the donor or acceptor splice site typically lead to a loss of protein function (PMID: 16199547), and loss-of-function variants in FANCD2 are known to be pathogenic (PMID: 17436244). Information on the frequency of this variant in the gnomAD database is not available, as this variant may be reported differently in the database. This variant has not been reported in the literature in individuals affected with FANCD2-related conditions. ClinVar contains an entry for this variant (Variation ID: 1483718). Experimental studies and prediction algorithms are not available or were not evaluated, and the effect of this variant on mRNA splicing is currently unknown. In summary, the currently available evidence indicates that the variant is pathogenic, but additional data are needed to prove that conclusively. Therefore, this variant has been classified as Likely Pathogenic.

Literature cited by the submitters: PubMed 16199547; PubMed 17436244.